The following is an entry in ClinVar:

ClinVar aggregate classification (germline): Uncertain significance (1 of 4 stars; one submission).

Conditions:
Cornelia de Lange syndrome 1 (CDLS1). Also called: NIPBL-Related Cornelia de Lange Syndrome; Brachmann de Lange syndrome; TYPUS DEGENERATIVUS AMSTELODAMENSIS. Identifiers: Orphanet 199, MedGen C4551851, MONDO:0007387, OMIM 122470.

Allele frequency attached by ClinVar (database versions not stated): gnomAD 0.00001; gnomAD exomes 0.00001; ExAC 0.00003; TOPMed 0.00003.
gnomAD v4.1: 8 of 1,604,416 alleles (0.0005%); highest among the groups gnomAD compares: Admixed American, 0.013%; no homozygotes.

Submission:

Labcorp Genetics (formerly Invitae), Labcorp
Classification: Uncertain significance for Cornelia de Lange syndrome 1. Last evaluated: 2024-12-03. Review status: criteria provided, single submitter. Criteria: Invitae Variant Classification Sherloc (09022015). Collection method: clinical testing. Allele origin: germline.
Comment: This sequence change replaces serine, which is neutral and polar, with glycine, which is neutral and non-polar, at codon 1042 of the NIPBL protein (p.Ser1042Gly). This variant is present in population databases (rs746847096, gnomAD 0.02%). This variant has not been reported in the literature in individuals affected with NIPBL-related conditions. ClinVar contains an entry for this variant (Variation ID: 1917106). An algorithm developed to predict the effect of missense changes on protein structure and function (PolyPhen-2) suggests that this variant is likely to be tolerated. In summary, the available evidence is currently insufficient to determine the role of this variant in disease. Therefore, it has been classified as a Variant of Uncertain Significance.

NM_133433.4(NIPBL):c.3124A>G (p.Ser1042Gly)

Gene: NIPBL (NIPBL cohesin loading factor; plus strand). Cytogenetic location: 5p13.2.
Variant type: single nucleotide variant.
Coding change: c.3124A>G on transcript NM_133433.4 (MANE Select); coding-DNA position 3124, A replaced by G.
Protein change: p.Ser1042Gly; replaces serine 1042 with glycine.
Molecular consequence: missense variant.
Genome position (GRCh38, 1-based): chr5:36,995,624, A>G. VCF-style: chr5-36995624-A-G. GRCh37 (hg19) VCF-style: chr5-36995726-A-G.
Other names: c.3124A>G, p.Ser1042Gly (NM_015384.5); short protein forms S1042G.
Identifiers: ClinVar variation 1917106 (VCV001917106.5), dbSNP rs746847096, ClinGen allele CA3236290.
Genomic context (GRCh38, chr5:36,995,624, plus strand): 5'-AATTTTCCTTTTATCTTCAGATTTACATTTTTTTTTTAAATTTACCTTTCATTAATAGGT[A>G]GTATAGATCAATCAGTGTTAAAAGAATTACCCCCTGAACTCCTGGCAGAAATTGAGTCCA-3'
Protein context (NP_597677.2, residues 1032-1052): KNKPSKSNKG[Ser1042Gly]IDQSVLKELP